The following is an entry in ClinVar:

NM_018052.5(VAC14):c.1320G>T (p.Thr440=)

Genes: VAC14 (VAC14 component of PIKFYVE complex; minus strand), VAC14-AS1 (VAC14 antisense RNA 1; plus strand). Cytogenetic location: 16q22.1.
Variant type: single nucleotide variant.
Coding change: c.1320G>T on transcript NM_018052.5 (MANE Select); coding-DNA position 1320, G replaced by T.
Protein change: p.Thr440=; no amino-acid change (threonine 440 retained).
Molecular consequence: synonymous variant.
Genome position (GRCh38, 1-based): chr16:70,762,591, C>A on the plus strand (G>T on the coding strand, the complement: VAC14 is on the minus strand). VCF-style: chr16-70762591-C-A. GRCh37 (hg19) VCF-style: chr16-70796494-C-A.
Other names: c.618G>T, p.Thr206= (NM_001351157.2).
Identifiers: ClinVar variation 2104219 (VCV002104219.28), dbSNP rs78503253, ClinGen allele CA496234431.

ClinVar aggregate classification (germline): Conflicting classifications of pathogenicity. Review status: criteria provided, conflicting classifications (1 of 4 stars). 2 submissions from 2 submitters: Uncertain significance (1); Likely benign (1). Last evaluated 2022-11-22.

gnomAD v4.1: 2 of 1,614,034 alleles (0.00012%); highest among the groups gnomAD compares: Middle Eastern, 0.033%; no homozygotes.

Submissions (2):

Labcorp Genetics (formerly Invitae), Labcorp
Classification: Uncertain significance. Last evaluated: 2022-11-22. Review status: criteria provided, single submitter. Criteria: Invitae Variant Classification Sherloc (09022015). Collection method: clinical testing. Allele origin: germline.
Comment: This variant has not been reported in the literature in individuals affected with VAC14-related conditions. This sequence change affects codon 440 of the VAC14 mRNA. It is a 'silent' change, meaning that it does not change the encoded amino acid sequence of the VAC14 protein. This variant is not present in population databases (gnomAD no frequency). Algorithms developed to predict the effect of sequence changes on RNA splicing suggest that this variant may create or strengthen a splice site. In summary, the available evidence is currently insufficient to determine the role of this variant in disease. Therefore, it has been classified as a Variant of Uncertain Significance.

CeGaT Center for Human Genetics Tuebingen
Classification: Likely benign. Last evaluated: 2022-03-01. Review status: criteria provided, single submitter. Criteria: CeGaT Center For Human Genetics Tuebingen Variant Classification Criteria Version 2. Collection method: clinical testing. Allele origin: germline. Affected: yes. Observed: 1 variant allele.
Comment: VAC14: BP4